The following is an entry in ClinVar:

ClinVar aggregate classification (germline): Uncertain significance (1 of 4 stars; one submission).

Conditions:
Jeune thoracic dystrophy. Also called: Jeune syndrome; Infantile thoracic dystrophy; Thoracic pelvic phalangeal dystrophy; Jeune's syndrome; Chondroectodermal dysplasia-like syndrome; Short-rib thoracic dysplasia. Identifiers: Orphanet 474, MedGen C0265275, MONDO:0018770.

Submission:

Labcorp Genetics (formerly Invitae), Labcorp
Classification: Uncertain significance for Jeune thoracic dystrophy. Last evaluated: 2022-05-09. Review status: criteria provided, single submitter. Criteria: Invitae Variant Classification Sherloc (09022015). Collection method: clinical testing. Allele origin: germline.
Comment: This sequence change replaces histidine, which is basic and polar, with arginine, which is basic and polar, at codon 711 of the IFT80 protein (p.His711Arg). This variant is not present in population databases (gnomAD no frequency). This variant has not been reported in the literature in individuals affected with IFT80-related conditions. Algorithms developed to predict the effect of missense changes on protein structure and function are either unavailable or do not agree on the potential impact of this missense change (SIFT: "Tolerated"; PolyPhen-2: "Possibly Damaging"; Align-GVGD: "Class C0"). In summary, the available evidence is currently insufficient to determine the role of this variant in disease. Therefore, it has been classified as a Variant of Uncertain Significance.

NM_020800.3(IFT80):c.2132A>G (p.His711Arg)

Genes: TRIM59-IFT80 (TRIM59-IFT80 readthrough (NMD candidate); minus strand), IFT80 (intraflagellar transport 80; minus strand). Cytogenetic location: 3q25.33.
Variant type: single nucleotide variant.
Coding change: c.2132A>G on transcript NM_020800.3 (MANE Select); coding-DNA position 2132, A replaced by G.
Protein change: p.His711Arg; replaces histidine 711 with arginine.
Molecular consequence: missense variant. On other transcripts: non-coding transcript variant (3).
Genome position (GRCh38, 1-based): chr3:160,268,504, T>C on the plus strand (A>G on the coding strand, the complement: IFT80 is on the minus strand). VCF-style: chr3-160268504-T-C. GRCh37 (hg19) VCF-style: chr3-159986292-T-C.
Other names: c.1721A>G, p.His574Arg (NM_001190241.2, NM_001190242.2); short protein forms H574R, H711R.
Identifiers: ClinVar variation 2135954 (VCV002135954.4), dbSNP rs781425551, ClinGen allele CA355250001.